The following is an entry in ClinVar:

ClinVar aggregate classification (germline): Uncertain significance (1 of 4 stars; one submission).

Submission:

Labcorp Genetics (formerly Invitae), Labcorp
Classification: Uncertain significance. Last evaluated: 2026-01-25. Review status: criteria provided, single submitter. Criteria: Invitae Variant Classification Sherloc (09022015). Collection method: clinical testing. Allele origin: germline.
Comment: This sequence change falls in intron 3 of the TNS2 gene. It does not directly change the encoded amino acid sequence of the TNS2 protein. This variant is not present in population databases (gnomAD no frequency). This variant has not been reported in the literature in individuals affected with TNS2-related conditions. Algorithms developed to predict the effect of sequence changes on RNA splicing suggest that this variant may disrupt the consensus splice site. In summary, the available evidence is currently insufficient to determine the role of this variant in disease. Therefore, it has been classified as a Variant of Uncertain Significance.

NM_170754.4(TNS2):c.223-11del

Genes: TNS2 (tensin 2; plus strand), TNS2-AS1 (TNS2 antisense RNA 1; minus strand). Cytogenetic location: 12q13.13.
Variant type: Deletion.
Coding change: c.223-11del on transcript NM_170754.4 (MANE Select); 11 bases into the intron before coding-DNA position 223, one base deleted (T; older notation c.223-11delT).
Molecular consequence: intron variant. On other transcripts: non-coding transcript variant (1).
Genome position (GRCh38, 1-based): chr12:53,053,400, T deleted. VCF-style (leftmost placement, unchanged base first): chr12-53053399-GT-G. GRCh37 (hg19) VCF-style: chr12-53447183-GT-G.
Other names: c.-150-11del (NM_198316.2); c.223-11del (NM_001416202.1, NM_001416204.1); c.154-11del (NM_001416203.1, NM_015319.3).
Identifiers: ClinVar variation 4805097 (VCV004805097.1).
Genomic context (GRCh38, chr12:53,053,399, plus strand): 5'-GGGGCTGCCCCATCCTCAAGCCCACGAGAGCCCTTCACCAGGAGCTCAGTTCCTTACTCG[GT>G]CCCCTTCCAGGTGACTTCAGCCTGTCAGGCCTTGCCTCCCGTGGAGTTGGTGAGTGCGCT-3'